The following is an entry in ClinVar:

ClinVar aggregate classification (germline): Likely pathogenic (1 of 4 stars; one submission).

Conditions:
Hereditary cancer-predisposing syndrome. Also called: Neoplastic Syndromes, Hereditary; Tumor predisposition; Hereditary Cancer Syndrome; Hereditary neoplastic syndrome. Identifiers: Orphanet 140162, MedGen C0027672, MeSH D009386, MONDO:0015356.

Allele frequency attached by ClinVar (database versions not stated): gnomAD exomes below 0.00001.
gnomAD v4.1: 2 of 1,591,994 alleles (0.00013%); highest among the groups gnomAD compares: Non-Finnish European, 0.00017%; no homozygotes.

Submission:

Labcorp Genetics (formerly Invitae), Labcorp
Classification: Likely pathogenic for Hereditary cancer-predisposing syndrome. Last evaluated: 2023-01-31. Review status: criteria provided, single submitter. Criteria: Invitae Variant Classification Sherloc (09022015). Collection method: clinical testing. Allele origin: germline.
Comment: This variant has not been reported in the literature in individuals affected with RAD50-related conditions. Algorithms developed to predict the effect of missense changes on protein structure and function (SIFT, PolyPhen-2, Align-GVGD) all suggest that this variant is likely to be tolerated. Variants that disrupt the consensus splice site are a relatively common cause of aberrant splicing (PMID: 17576681, 9536098). Studies have shown that this missense change results in skipping of exon 16 and introduces a premature termination codon (Invitae). The resulting mRNA is expected to undergo nonsense-mediated decay. In summary, the currently available evidence indicates that the variant is pathogenic, but additional data are needed to prove that conclusively. Therefore, this variant has been classified as Likely Pathogenic. This sequence change replaces lysine, which is basic and polar, with asparagine, which is neutral and polar, at codon 906 of the RAD50 protein (p.Lys906Asn). RNA analysis indicates that this missense change induces altered splicing and may result in an absent or disrupted protein product. This variant is not present in population databases (gnomAD no frequency).

Literature cited by the submitters: PubMed 17576681; PubMed 9536098.

NM_005732.4(RAD50):c.2718G>T (p.Lys906Asn)

Gene: RAD50 (RAD50 double strand break repair protein; plus strand). Cytogenetic location: 5q31.1.
Variant type: single nucleotide variant.
Coding change: c.2718G>T on transcript NM_005732.4 (MANE Select); coding-DNA position 2718, G replaced by T.
Protein change: p.Lys906Asn; replaces lysine 906 with asparagine.
Molecular consequence: missense variant.
Genome position (GRCh38, 1-based): chr5:132,604,999, G>T. VCF-style: chr5-132604999-G-T. GRCh37 (hg19) VCF-style: chr5-131940691-G-T.
Other names: short protein forms K906N.
Identifiers: ClinVar variation 2829380 (VCV002829380.3), dbSNP rs2479668807, ClinGen allele CA360957027.